The following is an entry in ClinVar:

ClinVar aggregate classification (germline): Likely benign. Review status: criteria provided, multiple submitters, no conflicts (2 of 4 stars). 3 submissions from 3 submitters: Likely benign (3). Last evaluated 2025-11-10.

Conditions:
Inborn genetic diseases. Identifiers: MedGen C0950123, MeSH D030342.

Allele frequency attached by ClinVar (database versions not stated): ExAC 0.00002; gnomAD exomes 0.00003; TOPMed 0.00003; ESP Exome Variant Server 0.00008.
gnomAD v4.1: 43 of 1,614,026 alleles (0.0027%); highest among the groups gnomAD compares: Admixed American, 0.022%; no homozygotes.

Submissions (3):

Labcorp Genetics (formerly Invitae), Labcorp
Classification: Likely benign. Last evaluated: 2025-11-10. Review status: criteria provided, single submitter. Criteria: Invitae Variant Classification Sherloc (09022015). Collection method: clinical testing. Allele origin: germline.

CeGaT Center for Human Genetics Tuebingen
Classification: Likely benign. Last evaluated: 2023-12-01. Review status: criteria provided, single submitter. Criteria: CeGaT Center For Human Genetics Tuebingen Variant Classification Criteria Version 2. Collection method: clinical testing. Allele origin: germline. Affected: yes. Observed: 2 variant alleles.
Comment: ARID1B: BP4

Ambry Genetics
Classification: Likely benign for Inborn genetic diseases. Last evaluated: 2022-09-30. Review status: criteria provided, single submitter. Criteria: Ambry Variant Classification Scheme 2023. Collection method: clinical testing. Allele origin: germline.

NM_001374828.1(ARID1B):c.5626G>A (p.Glu1876Lys)

Gene: ARID1B (AT-rich interaction domain 1B; plus strand). Cytogenetic location: 6q25.3.
Variant type: single nucleotide variant.
Coding change: c.5626G>A on transcript NM_001374828.1 (MANE Select); coding-DNA position 5626, G replaced by A.
Protein change: p.Glu1876Lys; replaces glutamic acid 1876 with lysine.
Molecular consequence: missense variant.
Genome position (GRCh38, 1-based): chr6:157,206,398, G>A. VCF-style: chr6-157206398-G-A. GRCh37 (hg19) VCF-style: chr6-157527532-G-A.
Other names: c.5377G>A, p.Glu1793Lys (NM_001346813.1); c.3127G>A, p.Glu1043Lys (NM_001363725.2); c.5506G>A, p.Glu1836Lys (NM_001371656.1, NM_001374820.1); c.5467G>A, p.Glu1823Lys (NM_017519.3); c.5257G>A, p.Glu1753Lys (NM_020732.3); c.5044G>A, p.Glu1682Lys (NM_175863.2); short protein forms E1043K, E1836K, E1876K, E1682K, E1753K, E1793K, E1823K.
Identifiers: ClinVar variation 2045878 (VCV002045878.29), dbSNP rs376495346, ClinGen allele CA4067873.